The following is an entry in ClinVar:

NM_000781.3(CYP11A1):c.433del (p.Ala145fs)

Gene: CYP11A1 (cytochrome P450 family 11 subfamily A member 1; minus strand). Cytogenetic location: 15q24.1.
Variant type: Deletion.
Coding change: c.433del on transcript NM_000781.3 (MANE Select); coding-DNA position 433, one base deleted (G; older notation c.433delG).
Protein change: p.Ala145fs; shifts the reading frame from alanine 145.
Molecular consequence: frameshift variant. On other transcripts: 5 prime UTR variant (1).
Genome position (GRCh38, 1-based): chr15:74,345,236, C deleted on the plus strand (G on the coding strand, the reverse complement: CYP11A1 is on the minus strand); the first of 2 consecutive C bases (chr15:74,345,236-74,345,237); deleting either gives the same sequence. VCF-style (leftmost placement, unchanged base first): chr15-74345235-GC-G. GRCh37 (hg19) VCF-style: chr15-74637576-GC-G.
Other names: c.-42del (NM_001099773.2); short protein forms A145fs.
Identifiers: ClinVar variation 5014892 (VCV005014892.1).
Genomic context (GRCh38, chr15:74,345,235, plus strand): 5'-TTGGTGGCCTCTGGAGCCATCACCTCCTGGTTCAGGGCCACCCGGTCTTTCTTCCAGGCT[GC>G]CGACTTCCTGAGAAAACATGGGCCCACAAGCCCTCATGGTCACAGACCCCAGGCCTGGTG-3'

ClinVar aggregate classification (germline): Pathogenic (1 of 4 stars; one submission).

Conditions:
Congenital adrenal insufficiency with 46, XY sex reversal OR 46,XY disorder of sex development-adrenal insufficiency due to CYP11A1 deficiency. Also called: P450scc DEFICIENCY; Congenital adrenal insuffiency with 46, XY sex reversal OR 46,XY disorder of sex development-adrenal insufficiency due to CYP11A1 deficiency. Identifiers: Orphanet 168558, MedGen C3151055, MONDO:0013400, OMIM 613743.

Submission:

Myriad Genetics, Inc.
Classification: Pathogenic for Congenital adrenal insufficiency with 46, XY sex reversal OR 46,XY disorder of sex development-adrenal insufficiency due to CYP11A1 deficiency. Last evaluated: 2025-08-19. Review status: criteria provided, single submitter. Criteria: Myriad Autosomal Dominant, Autosomal Recessive and X-Linked Classification Criteria (2023). Collection method: clinical testing. Allele origin: unknown.
Comment: NM_000781.2(CYP11A1):c.433delG(A145Qfs*10) is expected to be pathogenic in the context of congenital adrenal hyperplasia, CYP11A1-related. This variant is predicted to lead to an abnormal or absent protein product due to the creation of a premature termination codon in CYP11A1, a gene where loss-of-function variants are known to be pathogenic. Please note: this variant was assessed in the context of healthy population screening.